The following is an entry in ClinVar:

ClinVar aggregate classification (germline): Uncertain significance. Review status: criteria provided, multiple submitters, no conflicts (2 of 4 stars). 2 submissions from 2 submitters: Uncertain significance (2). Last evaluated 2025-08-21.

Conditions:
Inborn genetic diseases. Identifiers: MedGen C0950123, MeSH D030342.

Allele frequency attached by ClinVar (database versions not stated): TOPMed 0.00001; gnomAD 0.00002.
gnomAD v4.1: 27 of 1,587,804 alleles (0.0017%); highest among the groups gnomAD compares: Non-Finnish European, 0.0023%; no homozygotes.

Submissions (2):

Ambry Genetics
Classification: Uncertain significance for Inborn genetic diseases. Last evaluated: 2025-08-21. Review status: criteria provided, single submitter. Criteria: Ambry Variant Classification Scheme 2023. Collection method: clinical testing. Allele origin: germline.

Labcorp Genetics (formerly Invitae), Labcorp
Classification: Uncertain significance. Last evaluated: 2024-04-06. Review status: criteria provided, single submitter. Criteria: Invitae Variant Classification Sherloc (09022015). Collection method: clinical testing. Allele origin: germline.
Comment: This sequence change replaces serine, which is neutral and polar, with cysteine, which is neutral and slightly polar, at codon 307 of the DNA2 protein (p.Ser307Cys). This variant is present in population databases (no rsID available, gnomAD 0.01%). This variant has not been reported in the literature in individuals affected with DNA2-related conditions. Advanced modeling of protein sequence and biophysical properties (such as structural, functional, and spatial information, amino acid conservation, physicochemical variation, residue mobility, and thermodynamic stability) performed at Invitae indicates that this missense variant is expected to disrupt DNA2 protein function with a positive predictive value of 80%. In summary, the available evidence is currently insufficient to determine the role of this variant in disease. Therefore, it has been classified as a Variant of Uncertain Significance.

NM_001080449.3(DNA2):c.920C>G (p.Ser307Cys)

Gene: DNA2 (DNA replication helicase/nuclease 2; minus strand). Cytogenetic location: 10q21.3.
Variant type: single nucleotide variant.
Coding change: c.920C>G on transcript NM_001080449.3 (MANE Select); coding-DNA position 920, C replaced by G.
Protein change: p.Ser307Cys; replaces serine 307 with cysteine.
Molecular consequence: missense variant. On other transcripts: non-coding transcript variant (1).
Genome position (GRCh38, 1-based): chr10:68,450,047, G>C on the plus strand (C>G on the coding strand, the complement: DNA2 is on the minus strand). VCF-style: chr10-68450047-G-C. GRCh37 (hg19) VCF-style: chr10-70209804-G-C.
Other names: c.920C>G (NM_001080449.2); short protein forms S307C.
Identifiers: ClinVar variation 2730277 (VCV002730277.4), dbSNP rs947726243, ClinGen allele CA208217491.